The following is an entry in ClinVar:

NM_001374736.1(DST):c.18276C>G (p.His6092Gln)

Gene: DST (dystonin; minus strand). Cytogenetic location: 6p12.1.
Variant type: single nucleotide variant.
Coding change: c.18276C>G on transcript NM_001374736.1 (MANE Select); coding-DNA position 18276, C replaced by G.
Protein change: p.His6092Gln; replaces histidine 6092 with glutamine.
Molecular consequence: missense variant.
Genome position (GRCh38, 1-based): chr6:56,517,279, G>C on the plus strand (C>G on the coding strand, the complement: DST is on the minus strand). VCF-style: chr6-56517279-G-C. GRCh37 (hg19) VCF-style: chr6-56382077-G-C.
Other names: c.11919C>G, p.His3973Gln (NM_001144769.5); c.11505C>G, p.His3835Gln (NM_001144770.2); c.18276C>G, p.His6092Gln (NM_001374722.1); c.17316C>G, p.His5772Gln (NM_001374729.1); c.11058C>G, p.His3686Gln (NM_001374730.1); c.18303C>G, p.His6101Gln (NM_001374734.1); c.10407C>G, p.His3469Gln (NM_015548.5); c.11385C>G, p.His3795Gln (NM_183380.4); short protein forms H6092Q, H6101Q, H3835Q, H3686Q, H3795Q, H3973Q, H3469Q, H5772Q.
Identifiers: ClinVar variation 970307 (VCV000970307.8), dbSNP rs747211113, ClinGen allele CA364504111.
Genomic context (GRCh38, chr6:56,517,279, plus strand): 5'-TTCACTGCATGCGGTCATGATTTTATGCCCAGATTTAACAAGGTCATCAATAATATCCTT[G>C]TGTCTCAAAATCTCCATGGTGAATGTCTGTGATTTACCAAAATAAAGACAAAAAATAAAA-3'
Protein context (NP_001361665.1, residues 6082-6102): QKTFTMEILR[His6092Gln]KDIIDDLVKS

ClinVar aggregate classification (germline): Uncertain significance (1 of 4 stars; one submission).

Conditions:
Epidermolysis bullosa simplex 3, localized or generalized intermediate, with BP230 deficiency (EBS3). Also called: Epidermolysis bullosa simplex, autosomal recessive 2; Epidermolysis bullosa simplex due to BP230 deficiency. Identifiers: Orphanet 412181, MedGen C3809470, MONDO:0014180, OMIM 615425.
Hereditary sensory and autonomic neuropathy type 6. Also called: Neuropathy, hereditary sensory and autonomic, type VI; HSAN VI. Identifiers: Orphanet 314381, MedGen C3539003, MONDO:0013839, OMIM 614653.

Submission:

Labcorp Genetics (formerly Invitae), Labcorp
Classification: Uncertain significance for Epidermolysis bullosa simplex 3, localized or generalized intermediate, with BP230 deficiency; Hereditary sensory and autonomic neuropathy type 6. Last evaluated: 2019-09-09. Review status: criteria provided, single submitter. Criteria: Invitae Variant Classification Sherloc (09022015). Collection method: clinical testing. Allele origin: germline.
Comment: In summary, the available evidence is currently insufficient to determine the role of this variant in disease. Therefore, it has been classified as a Variant of Uncertain Significance. This sequence change replaces histidine with glutamic acid at codon 3469 of the DST protein (p.His3469Gln). The histidine residue is moderately conserved and there is a small physicochemical difference between histidine and glutamic acid. The DST gene has multiple clinically relevant transcripts. The p.His3469Gln variant occurs in alternate transcript NM_015548.4, which corresponds to c.*98238C>G in NM_001723.5, the primary transcript listed in the Methods. This variant is not present in population databases (ExAC no frequency). This variant has not been reported in the literature in individuals with DST-related conditions. Algorithms developed to predict the effect of missense changes on protein structure and function are either unavailable or do not agree on the potential impact of this missense change (SIFT: "Tolerated"; PolyPhen-2: "Not Available"; Align-GVGD: "Class C0).